The following is an entry in ClinVar:

NM_002471.4(MYH6):c.643G>A (p.Gly215Ser)

Gene: MYH6 (myosin heavy chain 6; minus strand). Cytogenetic location: 14q11.2.
Variant type: single nucleotide variant.
Coding change: c.643G>A on transcript NM_002471.4 (MANE Select); coding-DNA position 643, G replaced by A.
Protein change: p.Gly215Ser; replaces glycine 215 with serine.
Molecular consequence: missense variant.
Genome position (GRCh38, 1-based): chr14:23,404,388, C>T on the plus strand (G>A on the coding strand, the complement: MYH6 is on the minus strand). VCF-style: chr14-23404388-C-T. GRCh37 (hg19) VCF-style: chr14-23873597-C-T.
Other names: short protein forms G215S.
Identifiers: ClinVar variation 4860556 (VCV004860556.1).

ClinVar aggregate classification (germline): Uncertain significance (1 of 4 stars; one submission).

Conditions:
Cardiovascular phenotype. Identifiers: MedGen CN230736.

gnomAD v4.1: 3 of 1,614,034 alleles (0.00019%); highest among the groups gnomAD compares: African/African-American, 0.0013%; no homozygotes.

Submission:

Ambry Genetics
Classification: Uncertain significance for Cardiovascular phenotype. Last evaluated: 2026-03-23. Review status: criteria provided, single submitter. Criteria: Ambry Variant Classification Scheme 2023. Collection method: clinical testing. Allele origin: germline.
Comment: The p.G215S variant (also known as c.643G>A) is located in coding exon 6 of the MYH6 gene. The glycine at codon 215 is replaced by serine, an amino acid with similar properties. This change occurs in the first base pair of coding exon 6. This amino acid position is conserved. In addition, the in silico prediction for this alteration is inconclusive. Based on the available evidence, the clinical significance of this variant remains unclear.